The following is an entry in ClinVar:

NM_017534.6(MYH2):c.1774A>G (p.Asn592Asp)

Genes: MYH2 (myosin heavy chain 2; minus strand), MYHAS (myosin heavy chain gene cluster antisense RNA; plus strand). Cytogenetic location: 17p13.1.
Variant type: single nucleotide variant.
Coding change: c.1774A>G on transcript NM_017534.6 (MANE Select); coding-DNA position 1774, A replaced by G.
Protein change: p.Asn592Asp; replaces asparagine 592 with aspartic acid.
Molecular consequence: missense variant.
Genome position (GRCh38, 1-based): chr17:10,537,356, T>C on the plus strand (A>G on the coding strand, the complement: MYH2 is on the minus strand). VCF-style: chr17-10537356-T-C. GRCh37 (hg19) VCF-style: chr17-10440673-T-C.
Other names: c.1774A>G, p.Asn592Asp (NM_001100112.2); short protein forms N592D.
Identifiers: ClinVar variation 4804322 (VCV004804322.1).

ClinVar aggregate classification (germline): Uncertain significance (1 of 4 stars; one submission).

Conditions:
Myopathy, proximal, and ophthalmoplegia (CMYO6). Also called: MYOPATHY WITH CONGENITAL JOINT CONTRACTURES, OPHTHALMOPLEGIA, AND RIMMED VACUOLES; INCLUSION BODY MYOPATHY 3, AUTOSOMAL DOMINANT; CONGENITAL MYOPATHY 6 WITH OPHTHALMOPLEGIA. Identifiers: Orphanet 363677, Orphanet 79091, MedGen C1854106, MONDO:0011577, OMIM 605637.

gnomAD v4.1: 1 of 1,614,216 alleles (0.000062%); highest among the groups gnomAD compares: Non-Finnish European, 0.000085%; no homozygotes.

Submission:

Labcorp Genetics (formerly Invitae), Labcorp
Classification: Uncertain significance for Myopathy, proximal, and ophthalmoplegia. Last evaluated: 2025-12-26. Review status: criteria provided, single submitter. Criteria: Invitae Variant Classification Sherloc (09022015). Collection method: clinical testing. Allele origin: germline.
Comment: This sequence change replaces asparagine, which is neutral and polar, with aspartic acid, which is acidic and polar, at codon 592 of the MYH2 protein (p.Asn592Asp). This variant is not present in population databases (gnomAD no frequency). This variant has not been reported in the literature in individuals affected with MYH2-related conditions. Invitae Evidence Modeling of protein sequence and biophysical properties (such as structural, functional, and spatial information, amino acid conservation, physicochemical variation, residue mobility, and thermodynamic stability) indicates that this missense variant is not expected to disrupt MYH2 protein function with a negative predictive value of 80%. In summary, the available evidence is currently insufficient to determine the role of this variant in disease. Therefore, it has been classified as a Variant of Uncertain Significance.